The following is an entry in ClinVar:

NM_033159.4(HYAL1):c.141C>T (p.His47=)

Gene: HYAL1 (hyaluronidase 1; minus strand). Cytogenetic location: 3p21.31.
Variant type: single nucleotide variant.
Coding change: c.141C>T on transcript NM_033159.4 (MANE Select); coding-DNA position 141, C replaced by T.
Protein change: p.His47=; no amino-acid change (histidine 47 retained).
Molecular consequence: synonymous variant. On other transcripts: non-coding transcript variant (1), intron variant (2).
Genome position (GRCh38, 1-based): chr3:50,302,816, G>A on the plus strand (C>T on the coding strand, the complement: HYAL1 is on the minus strand). VCF-style: chr3-50302816-G-A. GRCh37 (hg19) VCF-style: chr3-50340247-G-A.
Other names: c.141C>T, p.His47= (NM_153281.2, NM_153282.3); c.-26-611C>T (NM_153285.3); c.-213-193C>T (NM_153283.3).
Identifiers: ClinVar variation 1086439 (VCV001086439.37), dbSNP rs147089930, ClinGen allele CA2416007.

ClinVar aggregate classification (germline): Likely benign. Review status: criteria provided, multiple submitters, no conflicts (2 of 4 stars). 3 submissions from 3 submitters: Likely benign (2). 1 of the submissions does not count toward it. Last evaluated 2025-10-26.

Conditions:
Deficiency of hyaluronoglucosaminidase (MPS9). Also called: MPS IX; HYALURONIDASE DEFICIENCY; Mucopolysaccharidosis type 9. Identifiers: Orphanet 67041, MedGen C1291490, MONDO:0011093, OMIM 601492.

Allele frequency attached by ClinVar (database versions not stated): ExAC 0.00007; gnomAD exomes 0.00007; 1000 Genomes Project 30x 0.00016; 1000 Genomes Project 0.00020; gnomAD 0.00022 and 0.00024; ESP Exome Variant Server 0.00062.
gnomAD v4.1: 80 of 1,614,066 alleles (0.005%); highest among the groups gnomAD compares: African/African-American, 0.072%; no homozygotes.

Submissions (3):

Labcorp Genetics (formerly Invitae), Labcorp
Classification: Likely benign for Deficiency of hyaluronoglucosaminidase. Last evaluated: 2025-10-26. Review status: criteria provided, single submitter. Criteria: Invitae Variant Classification Sherloc (09022015). Collection method: clinical testing. Allele origin: germline.

CeGaT Center for Human Genetics Tuebingen
Classification: Likely benign. Last evaluated: 2023-01-01. Review status: criteria provided, single submitter. Criteria: CeGaT Center For Human Genetics Tuebingen Variant Classification Criteria Version 2. Collection method: clinical testing. Allele origin: germline. Affected: yes. Observed: 1 variant allele.
Comment: HYAL1: BP4, BP7

Natera, Inc.
Classification: Likely benign for Mucopolysaccharidosis type IX. Last evaluated: 2020-02-04. Review status: no assertion criteria provided. Collection method: clinical testing. Allele origin: germline. Not counted in ClinVar's aggregate classification.